The following is an entry in ClinVar:

ClinVar aggregate classification (germline): Uncertain significance (1 of 4 stars; one submission).

Conditions:
Cardiovascular phenotype. Identifiers: MedGen CN230736.

Submission:

Ambry Genetics
Classification: Uncertain significance for Cardiovascular phenotype. Last evaluated: 2025-05-05. Review status: criteria provided, single submitter. Criteria: Ambry Variant Classification Scheme 2023. Collection method: clinical testing. Allele origin: germline.
Comment: The p.C942R variant (also known as c.2824T>C), located in coding exon 12 of the MYPN gene, results from a T to C substitution at nucleotide position 2824. The cysteine at codon 942 is replaced by arginine, an amino acid with highly dissimilar properties. This amino acid position is conserved. In addition, the in silico prediction for this alteration is inconclusive. Based on the available evidence, the clinical significance of this variant remains unclear.

NM_032578.4(MYPN):c.2824T>C (p.Cys942Arg)

Gene: MYPN (myopalladin; plus strand). Cytogenetic location: 10q21.3.
Variant type: single nucleotide variant.
Coding change: c.2824T>C on transcript NM_032578.4 (MANE Select); coding-DNA position 2824, T replaced by C.
Protein change: p.Cys942Arg; replaces cysteine 942 with arginine.
Molecular consequence: missense variant. On other transcripts: non-coding transcript variant (2).
Genome position (GRCh38, 1-based): chr10:68,189,025, T>C. VCF-style: chr10-68189025-T-C. GRCh37 (hg19) VCF-style: chr10-69948782-T-C.
Other names: c.2824T>C, p.Cys942Arg (NM_001256267.2); c.1942T>C, p.Cys648Arg (NM_001256268.2); short protein forms C648R, C942R.
Identifiers: ClinVar variation 3916692 (VCV003916692.1).